The following is an entry in ClinVar:

ClinVar aggregate classification (germline): Pathogenic (1 of 4 stars; one submission).

Conditions:
Diamond-Blackfan anemia. Also called: Blackfan Diamond syndrome; Aregenerative anemia chronic congenital; Red cell aplasia, pure hereditary; Congenital hypoplastic anemia; Aase syndrome. Identifiers: Orphanet 124, MedGen C1260899, MeSH D029503, MONDO:0015253, HP:0004810.

Submission:

Ambry Genetics
Classification: Pathogenic for Diamond-Blackfan anemia. Last evaluated: 2016-06-22. Review status: criteria provided, single submitter. Criteria: Ambry Variant Classification Scheme 2023. Collection method: clinical testing. Allele origin: germline.
Comment: The c.33delC pathogenic mutation, located in coding exon 2 of the RPL11 gene, results from a deletion of one nucleotide at position 33, causing a translational frameshift with a predicted alternate stop codon (p.M12Cfs*22). Since frameshifts are typically deleterious in nature, this alteration is interpreted as a disease-causing mutation (ACMG Recommendations for Standards for Interpretation and Reporting of Sequence Variations. Revision 2007. Genet Med. 2008;10:294).

NM_000975.5(RPL11):c.33del (p.Met12fs)

Gene: RPL11 (ribosomal protein L11; plus strand). Cytogenetic location: 1p36.11.
Variant type: Deletion.
Coding change: c.33del on transcript NM_000975.5 (MANE Select); coding-DNA position 33, one base deleted (C; older notation c.33delC).
Protein change: p.Met12fs; shifts the reading frame from methionine 12.
Molecular consequence: frameshift variant.
Genome position (GRCh38, 1-based): chr1:23,692,635, C deleted; the last of 4 consecutive C bases (chr1:23,692,632-23,692,635); deleting any one gives the same sequence. VCF-style (leftmost placement, unchanged base first): chr1-23692631-AC-A. GRCh37 (hg19) VCF-style: chr1-24019121-AC-A.
Other names: c.30del, p.Met11fs (NM_001199802.1); short protein forms M11fs, M12fs.
Identifiers: ClinVar variation 1731025 (VCV001731025.2), dbSNP rs2523394868, ClinGen allele CA2580061502.